The following is an entry in ClinVar:

NM_001368397.1(FRMPD4):c.3574G>A (p.Asp1192Asn)

Gene: FRMPD4 (FERM and PDZ domain containing 4; plus strand). Cytogenetic location: Xp22.2.
Variant type: single nucleotide variant.
Coding change: c.3574G>A on transcript NM_001368397.1 (MANE Select); coding-DNA position 3574, G replaced by A.
Protein change: p.Asp1192Asn; replaces aspartic acid 1192 with asparagine.
Molecular consequence: missense variant.
Genome position (GRCh38, 1-based): chrX:12,718,400, G>A. VCF-style: chrX-12718400-G-A. GRCh37 (hg19) VCF-style: chrX-12736519-G-A.
Other names: c.3685G>A, p.Asp1229Asn (NM_001368395.3, NM_001368398.3); c.3580G>A, p.Asp1194Asn (NM_001368396.3); c.3565G>A, p.Asp1189Asn (NM_001368399.3); c.3454G>A, p.Asp1152Asn (NM_001368400.3); c.3550G>A, p.Asp1184Asn (NM_001368401.1, NM_001368402.3); c.3574G>A, p.Asp1192Asn (NM_014728.3); short protein forms D1152N, D1184N, D1189N, D1192N, D1194N, D1229N.
Identifiers: ClinVar variation 1308153 (VCV001308153.3), dbSNP rs1420816995, ClinGen allele CA412321088.

ClinVar aggregate classification (germline): Uncertain significance. Review status: criteria provided, multiple submitters, no conflicts (2 of 4 stars). 2 submissions from 2 submitters: Uncertain significance (2). Last evaluated 2019-09-03.

Allele frequency attached by ClinVar (database versions not stated): gnomAD exomes below 0.00001; TOPMed below 0.00001; gnomAD 0.00001.
gnomAD v4.1: 2 of 1,210,172 alleles (0.00017%); highest among the groups gnomAD compares: Non-Finnish European, 0.00022%; no homozygotes.

Submissions (2):

GeneDx
Classification: Uncertain significance. Last evaluated: 2019-09-03. Review status: criteria provided, single submitter. Criteria: GeneDx Variant Classification Process June 2021. Collection method: clinical testing. Allele origin: germline. Affected: yes.
Comment: Not observed in large population cohorts (Lek et al., 2016); In silico analysis, which includes protein predictors and evolutionary conservation, supports that this variant does not alter protein structure/function; Has not been previously published as pathogenic or benign to our knowledge

Breakthrough Genomics
Classification: Uncertain significance. Review status: criteria provided, single submitter. Criteria: ACMG Guidelines, 2015. Collection method: not provided. Allele origin: germline. Inheritance: X-linked inheritance. Affected: yes.